The following is an entry in ClinVar:

ClinVar aggregate classification (germline): Benign. Review status: criteria provided, multiple submitters, no conflicts (2 of 4 stars). 3 submissions from 3 submitters: Benign (3). Last evaluated 2021-04-16.

Conditions:
Leukodystrophy, hypomyelinating, 7, with or without oligodontia and/or hypogonadotropic hypogonadism (HLD7). Also called: LEUKOENCEPHALOPATHY, HYPOMYELINATING, WITH ATAXIA AND DELAYED DENTITION; ATAXIA, DELAYED DENTITION, AND HYPOMYELINATION; LEUKODYSTROPHY, HYPOMYELINATING, 7, WITH OLIGODONTIA; LEUKODYSTROPHY, HYPOMYELINATING, 7, WITH OLIGODONTIA AND HYPOGONADOTROPIC HYPOGONADISM; LEUKODYSTROPHY, HYPOMYELINATING, 7, WITHOUT OLIGODONTIA OR HYPOGONADOTROPIC HYPOGONADISM; Ataxia, Delayed Dentition and Hypomyelination (ADDH). Identifiers: Orphanet 137639, Orphanet 447893, Orphanet 447896, Orphanet 77295, Orphanet 88637, MedGen CN034185, MONDO:0011897, OMIM 607694.

Allele frequency attached by ClinVar (database versions not stated): TOPMed 0.26785; 1000 Genomes Project 30x 0.33214; 1000 Genomes Project 0.33427.
gnomAD v4.1: 106,294 of 435,652 alleles (24%); highest among the groups gnomAD compares: East Asian, 51%; 14,722 homozygotes.

Submissions (3):

GeneDx
Classification: Benign. Last evaluated: 2021-04-16. Review status: criteria provided, single submitter. Criteria: GeneDx Variant Classification Process June 2021. Collection method: clinical testing. Allele origin: germline. Affected: yes.

Illumina Laboratory Services, Illumina
Classification: Benign for Leukodystrophy, hypomyelinating, 7, with or without oligodontia and/or hypogonadotropic hypogonadism. Last evaluated: 2018-01-13. Review status: criteria provided, single submitter. Criteria: ICSL Variant Classification Criteria 13 December 2019. Collection method: clinical testing. Allele origin: germline.
Comment: This variant was observed in the ICSL laboratory as part of a predisposition screen in an ostensibly healthy population. It had not been previously curated by ICSL or reported in the Human Gene Mutation Database (HGMD: prior to June 1st, 2018), and was therefore a candidate for classification through an automated scoring system. Utilizing variant allele frequency, disease prevalence and penetrance estimates, and inheritance mode, an automated score was calculated to assess if this variant is too frequent to cause the disease. Based on the score and internal cut-off values, a variant classified as benign is not then subjected to further curation. The score for this variant resulted in a classification of benign for this disease.

Breakthrough Genomics
Classification: Benign. Review status: criteria provided, single submitter. Criteria: ACMG Guidelines, 2015. Collection method: not provided. Allele origin: germline. Inheritance: Autosomal recessive inheritance. Affected: yes.

NM_007055.4(POLR3A):c.*272G>C

Gene: POLR3A (RNA polymerase III subunit A; minus strand). Cytogenetic location: 10q22.3.
Variant type: single nucleotide variant.
Coding change: c.*272G>C on transcript NM_007055.4 (MANE Select); 272 bases downstream of the stop codon, G replaced by C.
Molecular consequence: 3 prime UTR variant.
Genome position (GRCh38, 1-based): chr10:77,977,206, C>G on the plus strand (G>C on the coding strand, the complement: POLR3A is on the minus strand). VCF-style: chr10-77977206-C-G. GRCh37 (hg19) VCF-style: chr10-79736964-C-G.
Identifiers: ClinVar variation 301028 (VCV000301028.8), dbSNP rs2241547, ClinGen allele CA10629144.
Genomic context (GRCh38, chr10:77,977,206, plus strand): 5'-TGAGCTGGGATGGACCATGACACCTGGCTGGGCTTTAAGTCCAGGGAAGCAGTGTGTGCA[C>G]GAGCTGTGGGGCCGTCTATAGATTAGGTTTCAAGCAAGCAAACAATAAAACCCTCAGCTC-3'